The following is an entry in ClinVar:

NM_000203.5(IDUA):c.1148G>A (p.Arg383His)

Gene: IDUA (alpha-L-iduronidase; plus strand). Cytogenetic location: 4p16.3.
Variant type: single nucleotide variant.
Coding change: c.1148G>A on transcript NM_000203.5 (MANE Select); coding-DNA position 1148, G replaced by A.
Protein change: p.Arg383His; replaces arginine 383 with histidine.
Molecular consequence: missense variant. On other transcripts: non-coding transcript variant (1).
Genome position (GRCh38, 1-based): chr4:1,002,444, G>A. VCF-style: chr4-1002444-G-A. GRCh37 (hg19) VCF-style: chr4-996232-G-A.
Other names: NM_000203.5(IDUA):c.1148G>A; p.Arg383His; c.752G>A, p.Arg251His (NM_001363576.1); short protein forms R383H, R251H.
Identifiers: ClinVar variation 558189 (VCV000558189.24), dbSNP rs754949360, ClinGen allele CA2802205.

ClinVar aggregate classification (germline): Pathogenic. Review status: reviewed by expert panel (3 of 4 stars). 9 submissions from 8 submitters: Pathogenic (1). 8 of the submissions do not count toward it. Last evaluated 2024-12-05.

Conditions:
Mucopolysaccharidosis, MPS-I-S. Also called: Scheie Syndrome; MPS V; MUCOPOLYSACCHARIDOSIS TYPE V; MUCOPOLYSACCHARIDOSIS TYPE IS. Identifiers: Orphanet 93474, MedGen C0026708, MONDO:0011760, OMIM 607016.
Hurler syndrome. Also called: Gargoylism, Hurler Syndrome; MUCOPOLYSACCHARIDOSIS TYPE IH; Severe MPS I (Hurler Syndrome). Identifiers: Orphanet 93473, MedGen C0086795, MONDO:0011758, OMIM 607014.
Mucopolysaccharidosis, MPS-I-H/S. Also called: Mucopolysaccharidosis type IH/S. Identifiers: Orphanet 93476, MedGen C0086431, MONDO:0011759, OMIM 607015.
Mucopolysaccharidosis type 1. Also called: Mucopolysaccharidosis Type I; IDUA deficiency; MPS I. Identifiers: Orphanet 579, MedGen C0023786, MONDO:0001586.

Allele frequency attached by ClinVar (database versions not stated): gnomAD 0.00001; gnomAD exomes 0.00003 and 0.00002; ExAC 0.00010; TOPMed 0.00001.
gnomAD v4.1: 25 of 1,554,722 alleles (0.0016%); highest among the groups gnomAD compares: South Asian, 0.017%; no homozygotes.

Submissions (9):

ClinGen Lysosomal Storage Disorder Variant Curation Expert Panel
Classification: Pathogenic for Mucopolysaccharidosis type 1. Last evaluated: 2024-12-05. Review status: reviewed by expert panel. Criteria: ClinGen LSD ACMG Specifications IDUA V1.0.0. Collection method: curation. Allele origin: germline. Inheritance: Autosomal recessive inheritance.
Comment: The NM_000203.5:c.1148G>A variant in IDUA is a missense variant predicted to cause substitution of threonine by arginine at amino acid 383 (p.Arg383His). At least five patients with this variant had documented IDUA deficiency within the affected range in leukocytes, enzyme replacement therapy resulting in a significant reduction in total urine GAGs, and/or clinical features specific to MPS I including corneal and joint involvement (PMID: 23786846, 23837464, 31090850) (PP4_Moderate). This variant has been detected in at least 1 individual with MPS I who was homozygous for the variant (PMID: 7550242, 0.5 points). It has also been detected in at least 8 individuals who were compound heterozygous for the variant and a variant in IDUA that has been classified as pathogenic by the ClinGen Lysosomal Diseases VCEP; variants: c.208C>T (p.Gln70Ter) (ClinVar Variation ID: 11909)(PMID: 23837464, 0.5 points); c.266G>A (p.Arg89Gln) ( (PMID: 31194252, 0.5 points), c.386-2A>G (ClinVar Variation ID: 222994) (PMID: 23837464, 2 unrelated patients, 2 x 0.5 points), c.266G>A (p.Arg89Gln) (ClinVar Variation ID: 11922) (PMID: 31194252, 0.5 points), c.979G>C (p.Ala327Pro) (Variation ID: 167190) (PMID: 12559846, 23837464, 0.5 points), c.1205G>A (p.Trp402Ter) (ClinVar Variation ID: 11908) (PMID: 12559846, 23837464, 0.5 points), c.1598C>G (p.Pro533Arg) (ClinVar Variation ID: 11910) (PMID: 30419879, 0.5 points); however, phase was not confirmed in any case (Total >4 points) (PM3_Very Strong). One pair of sibling with MPS I and compound heterozygous for the variant and p.Gln70Ter, and another pairs of siblings compound heterozygous for the variant and c.386-2A>G (aka c.474-2A>G) ( PMID: 23837464) (PP1_Moderate). The highest population minor allele frequency in gnomAD v4.1.0 is 0.0001653 (14/84692 alleles) in the South Asian population, which is lower than the ClinGen Lysosomal Diseases VCEP’s threshold for PM2_Supporting (<0.00025), meeting this criterion (PM2_Supporting). When expressed in CHO cells, the activity of the variant was <2% wild type activity (PS3_Supporting). The computational predictor REVEL gives a score of 0.874 which is above the threshold of 0.773, evidence that correlates with impact to IDUA function at the moderate level based on the specifications of the ClinGen Lysosomal Diseases VCEP (PMID: 36413997) (PP3_Moderate). There is a ClinVar entry for the variant (Variation ID: 558189). In summary, this variant meets the criteria to be classified as Pathogenic for MPS I based on the IDUA-specific ACMG/AMP criteria applied, as specified by the ClinGen Lysosomal Diseases Variant Curation Expert panel (Specifications Version 1.0.0): PM3_Very Strong, PP1_Moderate, PP3_Moderate, PP4_Moderate, PS3_Supporting, PM2_Supporting. (Classification approved by the ClinGen Lysosomal Diseases Variant Curation Expert Panel on December 5, 2024)

Labcorp Genetics (formerly Invitae), Labcorp
Classification: Pathogenic for Mucopolysaccharidosis type 1. Last evaluated: 2026-01-24. Review status: criteria provided, single submitter. Criteria: Invitae Variant Classification Sherloc (09022015). Collection method: clinical testing. Allele origin: germline. Not counted in ClinVar's aggregate classification.
Comment: This sequence change replaces arginine, which is basic and polar, with histidine, which is basic and polar, at codon 383 of the IDUA protein (p.Arg383His). The frequency data for this variant in the population databases is considered unreliable, as metrics indicate poor data quality at this position in the gnomAD database. This missense change has been observed in individual(s) with IDUA-related conditions (PMID: 7550242, 12559846, 23786846). ClinVar contains an entry for this variant (Variation ID: 558189). Invitae Evidence Modeling of protein sequence and biophysical properties (such as structural, functional, and spatial information, amino acid conservation, physicochemical variation, residue mobility, and thermodynamic stability) indicates that this missense variant is expected to disrupt IDUA protein function with a positive predictive value of 95%. Experimental studies have shown that this missense change affects IDUA function (PMID: 12559846). For these reasons, this variant has been classified as Pathogenic.

Dasa
Classification: Pathogenic for Mucopolysaccharidosis, MPS-I-S. Last evaluated: 2025-10-14. Review status: criteria provided, single submitter. Criteria: DASA Assertion Criteria. Collection method: clinical testing. Allele origin: germline. Observed: 1 variant allele. Not counted in ClinVar's aggregate classification.
Comment: NM_000203.5(IDUA):c.1148G>A (p.Arg383His) introduces an arginine-to-histidine substitution in the IDUA enzyme. Functional studies demonstrate reduced enzymatic activity, and this variant has been reported in individuals with mucopolysaccharidosis type I in a recessive context. Based on the available data, this variant is classified as Pathogenic.

Dasa
Classification: Pathogenic for Mucopolysaccharidosis type 1. Last evaluated: 2025-10-14. Review status: criteria provided, single submitter. Criteria: DASA Assertion Criteria. Collection method: clinical testing. Allele origin: germline. Not counted in ClinVar's aggregate classification.
Comment: NM_000203.5(IDUA):c.1148G>A (p.Arg383His) is a missense variant that results in the substitution of arginine with histidine. Functional evidence supports a deleterious effect on the gene or gene product (PMID: 30419879; PMID: 23786846; PMID: 12559846; PMID: 7550242; PMID: 23837464). This variant has been recurrently observed in individuals with Mucopolysaccharidosis type 1 (PMID: 30419879; PMID: 23786846; PMID: 12559846; PMID: 7550242; PMID: 23837464). Segregation evidence has been reported in affected families. Multiple computational predictions support a deleterious effect on the gene or gene product. The variant is present at low frequency in population datasets. Based on the available data, this variant is classified as pathogenic.

Natera, Inc.
Classification: Pathogenic for Mucopolysaccharidosis type I. Last evaluated: 2025-08-25. Review status: criteria provided, single submitter. Criteria: Natera Variant Classification Schema (03/2026). Collection method: clinical testing. Allele origin: germline. Not counted in ClinVar's aggregate classification.
Comment: The c.1148G>A variant in IDUA is a missense variant predicted to cause substitution of arginine to histidine at amino acid 383. This variant is rare in the general population with a frequency below the threshold expected for the associated phenotype(s). This variant has been observed in one or more individuals affected with the associated recessive disease, as either homozygous or compound heterozygous with a second variant (PMID: 23837464, 33301762, 12559846). Additionally, this variant has been observed to segregate in affected family members (PMID: 23837464). Computational prediction algorithms indicate this variant is likely to affect gene or protein function. Given the available evidence, this variant is classified as Pathogenic.

Revvity Omics, Revvity
Classification: Pathogenic. Last evaluated: 2025-06-02. Review status: criteria provided, single submitter. Criteria: ACMG Guidelines, 2015. Collection method: clinical testing. Allele origin: germline. Not counted in ClinVar's aggregate classification.

GeneDx
Classification: Pathogenic. Last evaluated: 2025-03-07. Review status: criteria provided, single submitter. Criteria: GeneDx Variant Classification Process June 2021. Collection method: clinical testing. Allele origin: germline. Affected: yes. Not counted in ClinVar's aggregate classification.
Comment: Functional analysis found this variant was associated with significantly reduced enzyme activity (PMID: 12559846); In silico analysis supports that this missense variant has a deleterious effect on protein structure/function; Not observed at significant frequency in large population cohorts (gnomAD); This variant is associated with the following publications: (PMID: 8680403, 23786846, 7550242, 9748610, 15639191, 12559846, 30419879, 31589614, 33301762, 23837464)

Fulgent Genetics
Classification: Likely pathogenic for Hurler syndrome; Mucopolysaccharidosis, MPS-I-H/S; Mucopolysaccharidosis, MPS-I-S. Last evaluated: 2024-04-29. Review status: criteria provided, single submitter. Criteria: ACMG Guidelines, 2015. Collection method: clinical testing. Allele origin: germline. Not counted in ClinVar's aggregate classification.

Counsyl
Classification: Likely pathogenic for Hurler syndrome. Last evaluated: 2018-05-03. Review status: no assertion criteria provided. Collection method: clinical testing. Allele origin: unknown. Not counted in ClinVar's aggregate classification.

Literature cited by the submitters: PubMed 7550242 (cited by 3 submitters); PubMed 12559846 (cited by 4 submitters); PubMed 23786846 (cited by 3 submitters); PubMed 30419879 (cited by Dasa); PubMed 23837464 (cited by 3 submitters); PubMed 31194252 (cited by Dasa); PubMed 33301762 (cited by Natera, Inc.); PubMed 8680403 (cited by Counsyl); PubMed 9748610 (cited by Counsyl).